The following is an entry in ClinVar:

NC_000011.10:g.47341252G>A

Gene: MYBPC3 (myosin binding protein C3; minus strand). Cytogenetic location: 11p11.2.
Variant type: single nucleotide variant.
Genome position: GRCh38 VCF-style: chr11-47341252-G-A. GRCh37 (hg19) VCF-style: chr11-47362803-G-A.
Other names: c.1791-8C>T (NM_000256.3, LRG_386t1).
Identifiers: ClinVar variation 508850 (VCV000508850.11), dbSNP rs1346693579, ClinGen allele CA658797630.

ClinVar aggregate classification (germline): Likely benign. Review status: criteria provided, multiple submitters, no conflicts (2 of 4 stars). 3 submissions from 3 submitters: Likely benign (3). Last evaluated 2025-12-16.

Conditions:
Cardiomyopathy (CMYO). Also called: Cardiomyopathies. Identifiers: Orphanet 167848, MedGen C0878544, MONDO:0004994, HP:0001638. Inheritance: Various modes of inheritance.
Hypertrophic cardiomyopathy. Also called: HYPERTROPHIC MYOCARDIOPATHY. Identifiers: Orphanet 217569, MedGen C0007194, MeSH D002312, MONDO:0005045, HP:0001639.

Allele frequency attached by ClinVar (database versions not stated): gnomAD exomes below 0.00001; TOPMed 0.00001; gnomAD 0.00002.
gnomAD v4.1: 5 of 1,569,078 alleles (0.00032%); highest among the groups gnomAD compares: African/African-American, 0.0027%; no homozygotes.

Submissions (3):

Labcorp Genetics (formerly Invitae), Labcorp
Classification: Likely benign for Hypertrophic cardiomyopathy. Last evaluated: 2025-12-16. Review status: criteria provided, single submitter. Criteria: Invitae Variant Classification Sherloc (09022015). Collection method: clinical testing. Allele origin: germline.

Color Diagnostics, LLC DBA Color Health
Classification: Likely benign for Cardiomyopathy. Last evaluated: 2019-11-24. Review status: criteria provided, single submitter. Criteria: ACMG Guidelines, 2015. Collection method: clinical testing. Allele origin: germline.

GeneDx
Classification: Likely benign. Last evaluated: 2017-04-11. Review status: criteria provided, single submitter. Criteria: GeneDx Variant Classification (06012015). Collection method: clinical testing. Allele origin: germline. Affected: yes.
Comment: This variant is considered likely benign or benign based on one or more of the following criteria: it is a conservative change, it occurs at a poorly conserved position in the protein, it is predicted to be benign by multiple in silico algorithms, and/or has population frequency not consistent with disease.